The following is an entry in ClinVar:

NM_024105.4(ALG12):c.671C>T (p.Thr224Met)

Gene: ALG12 (ALG12 alpha-1,6-mannosyltransferase; minus strand). Cytogenetic location: 22q13.33.
Variant type: single nucleotide variant.
Coding change: c.671C>T on transcript NM_024105.4 (MANE Select); coding-DNA position 671, C replaced by T.
Protein change: p.Thr224Met; replaces threonine 224 with methionine.
Molecular consequence: missense variant.
Genome position (GRCh38, 1-based): chr22:49,909,341, G>A on the plus strand (C>T on the coding strand, the complement: ALG12 is on the minus strand). VCF-style: chr22-49909341-G-A. GRCh37 (hg19) VCF-style: chr22-50302989-G-A.
Other names: short protein forms T224M.
Identifiers: ClinVar variation 471230 (VCV000471230.16), dbSNP rs755892540, ClinGen allele CA10300509.

ClinVar aggregate classification (germline): Conflicting classifications of pathogenicity. Review status: criteria provided, conflicting classifications (1 of 4 stars). 4 submissions from 4 submitters: Pathogenic (2); Uncertain significance (1). 1 of the submissions does not count toward it. Last evaluated 2025-10-01.

Conditions:
ALG12-congenital disorder of glycosylation (CDG1G). Also called: CDG Ig; Congenital disorder of glycosylation, type Ig; ALG12-CDG. Identifiers: Orphanet 79324, MedGen C2931001, MONDO:0011783, OMIM 607143.

Allele frequency attached by ClinVar (database versions not stated): TOPMed 0.00003; ExAC 0.00002; gnomAD exomes 0.00002 and 0.00006; gnomAD 0.00003.
gnomAD v4.1: 93 of 1,614,012 alleles (0.0058%); highest among the groups gnomAD compares: Non-Finnish European, 0.0073%; no homozygotes.

Submissions (4):

Labcorp Genetics (formerly Invitae), Labcorp
Classification: Pathogenic for ALG12-congenital disorder of glycosylation. Last evaluated: 2025-10-01. Review status: criteria provided, single submitter. Criteria: Invitae Variant Classification Sherloc (09022015). Collection method: clinical testing. Allele origin: germline.
Comment: This sequence change replaces threonine, which is neutral and polar, with methionine, which is neutral and non-polar, at codon 224 of the ALG12 protein (p.Thr224Met). This variant is present in population databases (rs755892540, gnomAD 0.007%). This missense change has been observed in individual(s) with ALG12-congenital disorder of glycosylation (PMID: 31481313). In at least one individual the data is consistent with being in trans (on the opposite chromosome) from a pathogenic variant. It has also been observed to segregate with disease in related individuals. ClinVar contains an entry for this variant (Variation ID: 471230). Invitae Evidence Modeling of protein sequence and biophysical properties (such as structural, functional, and spatial information, amino acid conservation, physicochemical variation, residue mobility, and thermodynamic stability) indicates that this missense variant is expected to disrupt ALG12 protein function with a positive predictive value of 80%. For these reasons, this variant has been classified as Pathogenic.

Women's Health and Genetics/Laboratory Corporation of America, LabCorp
Classification: Uncertain significance. Last evaluated: 2025-08-21. Review status: criteria provided, single submitter. Criteria: LabCorp Variant Classification Summary - May 2015. Collection method: clinical testing. Allele origin: germline.
Comment: Variant summary: ALG12 c.671C>T (p.Thr224Met) results in a non-conservative amino acid change in the encoded protein sequence. Algorithms developed to predict the effect of missense changes on protein structure and function all suggest that this variant is likely to be disruptive. The variant allele was found at a frequency of 2e-05 in 251392 control chromosomes. The available data on variant occurrences in the general population are insufficient to allow any conclusion about variant significance. The siblings had a type I pattern (characteristic for the disease) on carbohydrate-deficient transferrin analysis, however no in vitro functional studies were performed to evaluate the impact of the variant on protein function, therefore these results do not allow convincing conclusions about the variant effect (Tahata_2019). The following publications have been ascertained in the context of this evaluation (PMID: 38959600, 31481313). ClinVar contains an entry for this variant (Variation ID: 471230). Based on the evidence outlined above, the variant was classified as uncertain significance.

Greenwood Genetic Center Diagnostic Laboratories, Greenwood Genetic Center
Classification: Pathogenic for ALG12-congenital disorder of glycosylation. Last evaluated: 2025-01-29. Review status: criteria provided, single submitter. Criteria: ACMG Guidelines, 2015. Collection method: clinical testing. Allele origin: germline. Affected: yes.
Comment: PM2, PM3_Very Strong, PP3

OMIM
Classification: Pathogenic for CONGENITAL DISORDER OF GLYCOSYLATION, TYPE Ig. Last evaluated: 2020-05-21. Review status: no assertion criteria provided. Collection method: literature only. Allele origin: germline. Not counted in ClinVar's aggregate classification.

Literature cited by the submitters: PubMed 31481313 (cited by 3 submitters); PubMed 38959600 (cited by Women's Health and Genetics/Laboratory Corporation of America, LabCorp).